The following is an entry in ClinVar:

NM_001184880.2(PCDH19):c.1384G>A (p.Val462Met)

Gene: PCDH19 (protocadherin 19; minus strand). Cytogenetic location: Xq22.1.
Variant type: single nucleotide variant.
Coding change: c.1384G>A on transcript NM_001184880.2 (MANE Select); coding-DNA position 1384, G replaced by A.
Protein change: p.Val462Met; replaces valine 462 with methionine.
Molecular consequence: missense variant.
Genome position (GRCh38, 1-based): chrX:100,407,214, C>T on the plus strand (G>A on the coding strand, the complement: PCDH19 is on the minus strand). VCF-style: chrX-100407214-C-T. GRCh37 (hg19) VCF-style: chrX-99662212-C-T.
Other names: c.1384G>A, p.Val462Met (NM_001105243.2, NM_020766.3); short protein forms V462M.
Identifiers: ClinVar variation 432615 (VCV000432615.11), dbSNP rs200637767, ClinGen allele CA10468891.

ClinVar aggregate classification (germline): Conflicting classifications of pathogenicity. Review status: criteria provided, conflicting classifications (1 of 4 stars). 2 submissions from 2 submitters: Uncertain significance (1); Likely benign (1). Last evaluated 2025-02-15.

Conditions:
Developmental and epileptic encephalopathy, 9 (DEE9). Also called: EPILEPSY, FEMALE-RESTRICTED, WITH MENTAL RETARDATION; JUBERG-HELLMAN SYNDROME; Early infantile epileptic encephalopathy 9; PCDH19-Related X-Linked Female-Limited Epilepsy with Mental Retardation. Identifiers: Orphanet 101039, Orphanet 2076, MedGen C1848137, MONDO:0010246, OMIM 300088. Disease mechanism: loss of function.

Allele frequency attached by ClinVar (database versions not stated): gnomAD 0.00002; gnomAD exomes 0.00002 and 0.00003; TOPMed 0.00002; ExAC 0.00006; ESP Exome Variant Server 0.00010.
gnomAD v4.1: 22 of 1,209,936 alleles (0.0018%); highest among the groups gnomAD compares: Non-Finnish European, 0.0025%; no homozygotes.

Submissions (2):

Labcorp Genetics (formerly Invitae), Labcorp
Classification: Uncertain significance for Developmental and epileptic encephalopathy, 9. Last evaluated: 2025-02-15. Review status: criteria provided, single submitter. Criteria: Invitae Variant Classification Sherloc (09022015). Collection method: clinical testing. Allele origin: germline.
Comment: This sequence change replaces valine, which is neutral and non-polar, with methionine, which is neutral and non-polar, at codon 462 of the PCDH19 protein (p.Val462Met). The frequency data for this variant in the population databases is considered unreliable, as metrics indicate poor data quality at this position in the gnomAD database. This variant has not been reported in the literature in individuals affected with PCDH19-related conditions. ClinVar contains an entry for this variant (Variation ID: 432615). Invitae Evidence Modeling of protein sequence and biophysical properties (such as structural, functional, and spatial information, amino acid conservation, physicochemical variation, residue mobility, and thermodynamic stability) has been performed for this missense variant. However, the output from this modeling did not meet the statistical confidence thresholds required to predict the impact of this variant on PCDH19 protein function. In summary, the available evidence is currently insufficient to determine the role of this variant in disease. Therefore, it has been classified as a Variant of Uncertain Significance.

GeneDx
Classification: Likely benign. Last evaluated: 2018-05-23. Review status: criteria provided, single submitter. Criteria: GeneDx Variant Classification Process June 2021. Collection method: clinical testing. Allele origin: germline. Affected: yes.